The following is an entry in ClinVar:

NM_001845.6(COL4A1):c.2968+5A>G

Gene: COL4A1 (collagen type IV alpha 1 chain; minus strand). Cytogenetic location: 13q34.
Variant type: single nucleotide variant.
Coding change: c.2968+5A>G on transcript NM_001845.6 (MANE Select); 5 bases into the intron after coding-DNA position 2968, A replaced by G.
Molecular consequence: intron variant.
Genome position (GRCh38, 1-based): chr13:110,176,621, T>C on the plus strand (A>G on the coding strand, the complement: COL4A1 is on the minus strand). VCF-style: chr13-110176621-T-C. GRCh37 (hg19) VCF-style: chr13-110828968-T-C.
Identifiers: ClinVar variation 2885042 (VCV002885042.4), dbSNP rs375706368, ClinGen allele CA7047446.

ClinVar aggregate classification (germline): Uncertain significance. Review status: criteria provided, multiple submitters, no conflicts (2 of 4 stars). 2 submissions from 2 submitters: Uncertain significance (2). Last evaluated 2025-12-15.

Allele frequency attached by ClinVar (database versions not stated): gnomAD 0.00001; ESP Exome Variant Server 0.00008; gnomAD exomes 0.00011; TOPMed 0.00001; ExAC 0.00003.
gnomAD v4.1: 158 of 1,613,586 alleles (0.0098%); highest among the groups gnomAD compares: Non-Finnish European, 0.013%; no homozygotes.

Submissions (2):

Labcorp Genetics (formerly Invitae), Labcorp
Classification: Uncertain significance. Last evaluated: 2025-12-15. Review status: criteria provided, single submitter. Criteria: Invitae Variant Classification Sherloc (09022015). Collection method: clinical testing. Allele origin: germline.
Comment: This sequence change falls in intron 35 of the COL4A1 gene. It does not directly change the encoded amino acid sequence of the COL4A1 protein. It affects a nucleotide within the consensus splice site. This variant is present in population databases (rs375706368, gnomAD 0.004%). This variant has not been reported in the literature in individuals affected with COL4A1-related conditions. ClinVar contains an entry for this variant (Variation ID: 2885042). Variants that disrupt the consensus splice site are a relatively common cause of aberrant splicing (PMID: 17576681, 9536098). Algorithms developed to predict the effect of sequence changes on RNA splicing suggest that this variant is not likely to affect RNA splicing. In summary, the available evidence is currently insufficient to determine the role of this variant in disease. Therefore, it has been classified as a Variant of Uncertain Significance.

Mayo Clinic Laboratories, Mayo Clinic
Classification: Uncertain significance. Last evaluated: 2025-05-12. Review status: criteria provided, single submitter. Criteria: ACMG Guidelines, 2015. Collection method: clinical testing. Allele origin: germline. Observed: 1 variant allele.
Comment: BP4

Literature cited by the submitters: PubMed 17576681 (cited by Labcorp Genetics (formerly Invitae), Labcorp); PubMed 9536098 (cited by Labcorp Genetics (formerly Invitae), Labcorp).